The following is an entry in ClinVar:

ClinVar aggregate classification (germline): Uncertain significance. Review status: criteria provided, multiple submitters, no conflicts (2 of 4 stars). 4 submissions from 4 submitters: Uncertain significance (4). Last evaluated 2024-08-01.

Conditions:
Autosomal dominant cerebellar ataxia. Also called: Spinocerebellar Ataxia, Dominant. Identifiers: Orphanet 99, MedGen C4087347, MONDO:0020380.

Allele frequency attached by ClinVar (database versions not stated): gnomAD exomes below 0.00001 and 0.00002; gnomAD 0.00001.
gnomAD v4.1: 29 of 1,613,974 alleles (0.0018%); highest among the groups gnomAD compares: East Asian, 0.038%; no homozygotes.

Submissions (4):

CeGaT Center for Human Genetics Tuebingen
Classification: Uncertain significance. Last evaluated: 2024-08-01. Review status: criteria provided, single submitter. Criteria: CeGaT Center For Human Genetics Tuebingen Variant Classification Criteria Version 2. Collection method: clinical testing. Allele origin: germline. Affected: yes. Observed: 1 variant allele.
Comment: ITPR1: PM2

GeneDx
Classification: Uncertain significance. Last evaluated: 2023-02-02. Review status: criteria provided, single submitter. Criteria: GeneDx Variant Classification Process June 2021. Collection method: clinical testing. Allele origin: germline. Affected: yes.
Comment: In silico analysis supports that this missense variant does not alter protein structure/function; Has not been previously published as pathogenic or benign to our knowledge

Labcorp Genetics (formerly Invitae), Labcorp
Classification: Uncertain significance. Last evaluated: 2022-09-26. Review status: criteria provided, single submitter. Criteria: Invitae Variant Classification Sherloc (09022015). Collection method: clinical testing. Allele origin: germline.
Comment: This sequence change replaces arginine, which is basic and polar, with glutamine, which is neutral and polar, at codon 1698 of the ITPR1 protein (p.Arg1698Gln). This variant is present in population databases (rs2291864, gnomAD 0.0009%). This variant has not been reported in the literature in individuals affected with ITPR1-related conditions. ClinVar contains an entry for this variant (Variation ID: 345745). Algorithms developed to predict the effect of missense changes on protein structure and function (SIFT, PolyPhen-2, Align-GVGD) all suggest that this variant is likely to be tolerated. In summary, the available evidence is currently insufficient to determine the role of this variant in disease. Therefore, it has been classified as a Variant of Uncertain Significance.

Illumina Laboratory Services, Illumina
Classification: Uncertain significance for Spinocerebellar Ataxia, Dominant. Last evaluated: 2018-01-13. Review status: criteria provided, single submitter. Criteria: ICSL Variant Classification Criteria 13 December 2019. Collection method: clinical testing. Allele origin: germline.

NM_001378452.1(ITPR1):c.5282G>A (p.Arg1761Gln)

Gene: ITPR1 (inositol 1,4,5-trisphosphate receptor type 1; plus strand). Cytogenetic location: 3p26.1.
Variant type: single nucleotide variant.
Coding change: c.5282G>A on transcript NM_001378452.1 (MANE Select); coding-DNA position 5282, G replaced by A.
Protein change: p.Arg1761Gln; replaces arginine 1761 with glutamine.
Molecular consequence: missense variant.
Genome position (GRCh38, 1-based): chr3:4,733,149, G>A. VCF-style: chr3-4733149-G-A. GRCh37 (hg19) VCF-style: chr3-4774833-G-A.
Other names: c.5138G>A, p.Arg1713Gln (NM_001099952.4); c.5237G>A, p.Arg1746Gln (NM_001168272.2); c.5093G>A, p.Arg1698Gln (NM_002222.7); short protein forms R1698Q, R1746Q, R1713Q, R1761Q.
Identifiers: ClinVar variation 345745 (VCV000345745.28), dbSNP rs2291864, ClinGen allele CA10619037.